The following is an entry in ClinVar:

NM_006415.4(SPTLC1):c.322T>C (p.Phe108Leu)

Gene: SPTLC1 (serine palmitoyltransferase long chain base subunit 1; minus strand). Cytogenetic location: 9q22.31.
Variant type: single nucleotide variant.
Coding change: c.322T>C on transcript NM_006415.4 (MANE Select); coding-DNA position 322, T replaced by C.
Protein change: p.Phe108Leu; replaces phenylalanine 108 with leucine.
Molecular consequence: missense variant. On other transcripts: 5 prime UTR variant (2).
Genome position (GRCh38, 1-based): chr9:92,080,902, A>G on the plus strand (T>C on the coding strand, the complement: SPTLC1 is on the minus strand). VCF-style: chr9-92080902-A-G. GRCh37 (hg19) VCF-style: chr9-94843184-A-G.
Other names: c.322T>C, p.Phe108Leu (NM_001281303.2, NM_178324.3); c.-178T>C (NM_001368272.1); c.-144T>C (NM_001368273.1); short protein forms F108L.
Identifiers: ClinVar variation 4808637 (VCV004808637.1).

ClinVar aggregate classification (germline): Uncertain significance (1 of 4 stars; one submission).

Conditions:
Hereditary sensory and autonomic neuropathy type 1 (HSAN1). Also called: HSAN 1; HSN Type I; Hereditary Sensory Neuropathy Type I. Identifiers: Orphanet 36386, MedGen C0020071, MONDO:0018213.

Submission:

Labcorp Genetics (formerly Invitae), Labcorp
Classification: Uncertain significance for Hereditary sensory and autonomic neuropathy type 1. Last evaluated: 2025-08-22. Review status: criteria provided, single submitter. Criteria: Invitae Variant Classification Sherloc (09022015). Collection method: clinical testing. Allele origin: germline.
Comment: This sequence change replaces phenylalanine, which is neutral and non-polar, with leucine, which is neutral and non-polar, at codon 108 of the SPTLC1 protein (p.Phe108Leu). This variant is not present in population databases (gnomAD no frequency). This variant has not been reported in the literature in individuals affected with SPTLC1-related conditions. Invitae Evidence Modeling of protein sequence and biophysical properties (such as structural, functional, and spatial information, amino acid conservation, physicochemical variation, residue mobility, and thermodynamic stability) has been performed for this missense variant. However, the output from this modeling did not meet the statistical confidence thresholds required to predict the impact of this variant on SPTLC1 protein function. In summary, the available evidence is currently insufficient to determine the role of this variant in disease. Therefore, it has been classified as a Variant of Uncertain Significance.